The following is an entry in ClinVar:

NM_012082.4(ZFPM2):c.2382_2383insA (p.Val795fs)

Genes: ZFPM2 (zinc finger protein, FOG family member 2; plus strand), ZFPM2-AS1 (ZFPM2 antisense RNA 1; minus strand), LOC126860469 (BRD4-independent group 4 enhancer GRCh37_chr8:106814445-106815644; plus strand). Cytogenetic location: 8q23.1.
Variant type: Insertion.
Coding change: c.2382_2383insA on transcript NM_012082.4 (MANE Select); coding-DNA positions 2382 to 2383, A inserted.
Protein change: p.Val795fs; shifts the reading frame from valine 795.
Molecular consequence: frameshift variant.
Genome position: GRCh38 VCF-style: chr8-105802464-T-TA. GRCh37 (hg19) VCF-style: chr8-106814692-T-TA.
Other names: c.2223_2224insA, p.Val742fs (NM_001362836.2); c.1986_1987insA, p.Val663fs (NM_001362837.2); short protein forms V742fs, V663fs, V795fs.
Identifiers: ClinVar variation 817486 (VCV000817486.1), dbSNP rs1586285505, ClinGen allele CA915948866.

ClinVar aggregate classification (germline): Likely pathogenic (1 of 4 stars; one submission).

Submission:

GeneDx
Classification: Likely pathogenic. Last evaluated: 2019-03-08. Review status: criteria provided, single submitter. Criteria: GeneDx Variant Classification (06012015). Collection method: clinical testing. Allele origin: germline. Affected: yes.
Comment: A variant that is likely pathogenic has been identified in the ZFPM2 gene. The c.2382_2383insA variant has not been published as a pathogenic variant, nor has it been reported as a benign variant to our knowledge. The c.2382_2383insA variant causes a frameshift starting with codon Valine 795, changes this amino acid to a Serine residue and creates a premature Stop codon at position 3 of the new reading frame, denoted p.Val795SerfsX3. This variant is predicted to cause loss of normal protein function through protein truncation as the last 357 amino acids of the ZFPM2 protein are replaced by 2 incorrect amino acids. The c.2382_2383insA variant is not observed in large population cohorts (Lek et al., 2016). This variant is considered likely pathogenic; however, the possibility that it is benign cannot be excluded.